The following is an entry in ClinVar:

ClinVar aggregate classification (germline): Uncertain significance. Review status: criteria provided, multiple submitters, no conflicts (2 of 4 stars). 2 submissions from 2 submitters: Uncertain significance (2). Last evaluated 2025-10-16.

Allele frequency attached by ClinVar (database versions not stated): ESP Exome Variant Server 0.00008.

Submissions (2):

Labcorp Genetics (formerly Invitae), Labcorp
Classification: Uncertain significance. Last evaluated: 2025-10-16. Review status: criteria provided, single submitter. Criteria: Invitae Variant Classification Sherloc (09022015). Collection method: clinical testing. Allele origin: germline.
Comment: This sequence change replaces arginine, which is basic and polar, with cysteine, which is neutral and slightly polar, at codon 121 of the TUBA8 protein (p.Arg121Cys). This variant is present in population databases (rs144490612, gnomAD 0.02%). This variant has not been reported in the literature in individuals affected with TUBA8-related conditions. ClinVar contains an entry for this variant (Variation ID: 2184022). Invitae Evidence Modeling of protein sequence and biophysical properties (such as structural, functional, and spatial information, amino acid conservation, physicochemical variation, residue mobility, and thermodynamic stability) indicates that this missense variant is not expected to disrupt TUBA8 protein function with a negative predictive value of 80%. In summary, the available evidence is currently insufficient to determine the role of this variant in disease. Therefore, it has been classified as a Variant of Uncertain Significance.

Ambry Genetics
Classification: Uncertain significance. Last evaluated: 2025-03-26. Review status: criteria provided, single submitter. Criteria: Ambry Variant Classification Scheme 2023. Collection method: clinical testing. Allele origin: germline.

NM_018943.3(TUBA8):c.361C>T (p.Arg121Cys)

Gene: TUBA8 (tubulin alpha 8; plus strand). Cytogenetic location: 22q11.21.
Variant type: single nucleotide variant.
Coding change: c.361C>T on transcript NM_018943.3 (MANE Select); coding-DNA position 361, C replaced by T.
Protein change: p.Arg121Cys; replaces arginine 121 with cysteine.
Molecular consequence: missense variant.
Genome position (GRCh38, 1-based): chr22:18,124,290, C>T. VCF-style: chr22-18124290-C-T. GRCh37 (hg19) VCF-style: chr22-18607057-C-T.
Other names: c.361C>T (NM_018943.2); c.163C>T, p.Arg55Cys (NM_001193414.2); short protein forms R121C, R55C.
Identifiers: ClinVar variation 2184022 (VCV002184022.6), dbSNP rs144490612, ClinGen allele CA10093650.